The following is an entry in ClinVar:

ClinVar aggregate classification (germline): Uncertain significance (1 of 4 stars; one submission).

Conditions:
Hereditary cancer-predisposing syndrome. Also called: Tumor predisposition; Hereditary Cancer Syndrome; Hereditary neoplastic syndrome; Neoplastic Syndromes, Hereditary. Identifiers: Orphanet 140162, MedGen C0027672, MeSH D009386, MONDO:0015356.

Submission:

Ambry Genetics
Classification: Uncertain significance for Hereditary cancer-predisposing syndrome. Last evaluated: 2024-04-19. Review status: criteria provided, single submitter. Criteria: Ambry Variant Classification Scheme 2023. Collection method: clinical testing. Allele origin: germline.
Comment: The c.4813_4815dupCCT variant (also known as p.P1605dup), located in coding exon 22 of the DICER1 gene, results from an in-frame duplication of CCT at nucleotide positions 4813 to 4815. This results in the duplication of an extra proline residue between codons 1605 and 1606. This amino acid position is not well conserved in available vertebrate species. In addition, this alteration is predicted to be neutral by in silico analysis (Choi Y et al. PLoS ONE. 2012; 7(10):e46688). Based on the available evidence, the clinical significance of this variant remains unclear.

NM_177438.3(DICER1):c.4813_4815dup (p.Pro1605_Thr1606insPro)

Gene: DICER1 (dicer 1, ribonuclease III; minus strand). Cytogenetic location: 14q32.13.
Variant type: Duplication.
Coding change: c.4813_4815dup on transcript NM_177438.3 (MANE Select); coding-DNA positions 4813 to 4815, 3 bases duplicated (CCT; older notation c.4813_4815dupCCT).
Protein change: p.Pro1605_Thr1606insPro.
Molecular consequence: inframe insertion. On other transcripts: inframe indel (1), non-coding transcript variant (6).
Genome position (GRCh38, 1-based): chr14:95,096,105-95,096,107, AGG duplicated on the plus strand (CCT on the coding strand, the reverse complement: DICER1 is on the minus strand). VCF-style (leftmost placement, unchanged base first): chr14-95096104-T-TAGG. GRCh37 (hg19) VCF-style: chr14-95562441-T-TAGG.
Other names: c.4813_4815dupCCT (NM_177438.2); c.4813_4815dup, p.Pro1605_Thr1606insPro (NM_001395679.1, NM_001395680.1, NM_001395682.1 and 12 more transcripts); c.4531_4533dup, p.Pro1511_Thr1512insPro (NM_001395686.1); c.4408_4410dup, p.Pro1470_Thr1471insPro (NM_001395687.1, NM_001395688.1, NM_001395689.1 and 2 more transcripts); c.4246_4248dup, p.Pro1416_Thr1417insPro (NM_001395691.1); c.3130_3132dup, p.Pro1044_Thr1045insPro (NM_001395697.1).
Identifiers: ClinVar variation 3271993 (VCV003271993.1).